The following is an entry in ClinVar:

NM_000179.3(MSH6):c.710G>T (p.Gly237Val)

Gene: MSH6 (mutS homolog 6; plus strand). Cytogenetic location: 2p16.3.
Variant type: single nucleotide variant.
Coding change: c.710G>T on transcript NM_000179.3 (MANE Select); coding-DNA position 710, G replaced by T.
Protein change: p.Gly237Val; replaces glycine 237 with valine.
Molecular consequence: missense variant. On other transcripts: 5 prime UTR variant (2).
Genome position (GRCh38, 1-based): chr2:47,798,693, G>T. VCF-style: chr2-47798693-G-T. GRCh37 (hg19) VCF-style: chr2-48025832-G-T.
Other names: c.320G>T, p.Gly107Val (NM_001281492.2); c.-197G>T (NM_001281493.2, NM_001281494.2); short protein forms G237V, G107V.
Identifiers: ClinVar variation 924561 (VCV000924561.4), dbSNP rs1558659010, ClinGen allele CA346739992.
Genomic context (GRCh38, chr2:47,798,693, plus strand): 5'-ATAAGAGTGAAGAAGATAATGAAATTGAGAGTGAAGAGGAAGTACAGCCTAAGACACAAG[G>T]ATCTAGGCGAAGTAGCCGCCAAATAAAAAAACGAAGGGTCATATCAGATTCTGAGAGTGA-3'
Protein context (NP_000170.1, residues 227-247): SEEEVQPKTQ[Gly237Val]SRRSSRQIKK

ClinVar aggregate classification (germline): Uncertain significance (1 of 4 stars; one submission).

Conditions:
Hereditary cancer-predisposing syndrome. Also called: Neoplastic Syndromes, Hereditary; Tumor predisposition; Hereditary Cancer Syndrome; Hereditary neoplastic syndrome. Identifiers: Orphanet 140162, MedGen C0027672, MeSH D009386, MONDO:0015356.

Allele frequency attached by ClinVar (database versions not stated): gnomAD exomes below 0.00001.
gnomAD v4.1: 1 of 1,614,022 alleles (0.000062%); highest among the groups gnomAD compares: Non-Finnish European, 0.000085%; no homozygotes.

Submission:

Color Diagnostics, LLC DBA Color Health
Classification: Uncertain significance for Hereditary cancer-predisposing syndrome. Last evaluated: 2024-03-06. Review status: criteria provided, single submitter. Criteria: ACMG Guidelines, 2015. Collection method: clinical testing. Allele origin: germline.
Comment: This missense variant replaces glycine with valine at codon 237 of the MSH6 protein. Computational prediction suggests that this variant may not impact protein structure and function (internally defined REVEL score threshold <= 0.5, PMID: 27666373). Splice site prediction tools suggest that this variant may not impact RNA splicing. To our knowledge, functional studies have not been performed for this variant. This variant has not been reported in individuals affected with hereditary cancer in the literature. This variant has been identified in 1/250960 chromosomes in the general population by the Genome Aggregation Database (gnomAD). The available evidence is insufficient to determine the role of this variant in disease conclusively. Therefore, this variant is classified as a Variant of Uncertain Significance.